The following is an entry in ClinVar:

ClinVar aggregate classification (germline): Uncertain significance (1 of 4 stars; one submission).

Conditions:
Neuroblastoma, susceptibility to, 3. Also called: ALK-Related Neuroblastic Tumor Susceptibility. Identifiers: Orphanet 635, MedGen C2751681, MONDO:0013083, OMIM 613014.

Submission:

Labcorp Genetics (formerly Invitae), Labcorp
Classification: Uncertain significance for Neuroblastoma, susceptibility to, 3. Last evaluated: 2024-10-19. Review status: criteria provided, single submitter. Criteria: Invitae Variant Classification Sherloc (09022015). Collection method: clinical testing. Allele origin: germline.
Comment: This sequence change creates a premature translational stop signal (p.Pro961Glyfs*20) in the ALK gene. It is expected to result in an absent or disrupted protein product. However, the current clinical and genetic evidence is not sufficient to establish whether loss-of-function variants in ALK cause disease. This variant is not present in population databases (gnomAD no frequency). This variant has not been reported in the literature in individuals affected with ALK-related conditions. ClinVar contains an entry for this variant (Variation ID: 1011315). Algorithms developed to predict the effect of sequence changes on RNA splicing suggest that this variant may disrupt the consensus splice site. In summary, the available evidence is currently insufficient to determine the role of this variant in disease. Therefore, it has been classified as a Variant of Uncertain Significance.

NM_004304.5(ALK):c.2881_2885del (p.Pro961fs)

Gene: ALK (ALK receptor tyrosine kinase; minus strand). Cytogenetic location: 2p23.2.
Variant type: Deletion.
Coding change: c.2881_2885del on transcript NM_004304.5 (MANE Select); coding-DNA positions 2881 to 2885, 5 bases deleted (CCACT; older notation c.2881_2885delCCACT).
Protein change: p.Pro961fs; shifts the reading frame from proline 961.
Molecular consequence: frameshift variant.
Genome position (GRCh38, 1-based): chr2:29,227,603-29,227,607, AGTGG deleted on the plus strand (CCACT on the coding strand, the reverse complement: ALK is on the minus strand); deleting any 5 consecutive bases within chr2:29,227,603-29,227,608 gives the same sequence; the c. name uses the placement nearest the transcript's 3' end. VCF-style (leftmost placement, unchanged base first): chr2-29227602-CAGTGG-C. GRCh37 (hg19) VCF-style: chr2-29450468-CAGTGG-C.
Other names: short protein forms P961fs.
Identifiers: ClinVar variation 1011315 (VCV001011315.6), dbSNP rs1317343191, ClinGen allele CA767494296.